The following is an entry in ClinVar:

ClinVar aggregate classification (germline): Uncertain significance. Review status: criteria provided, multiple submitters, no conflicts (2 of 4 stars). 3 submissions from 3 submitters: Uncertain significance (3). Last evaluated 2024-05-13.

Conditions:
Inborn genetic diseases. Identifiers: MedGen C0950123, MeSH D030342.
Fanconi anemia (FA). Also called: Fanconi's anemia. Identifiers: Orphanet 84, MedGen C0015625, MeSH D005199, MONDO:0019391.
Fanconi anemia complementation group I (FANCI). Also called: FANCI-Related Fanconi Anemia. Identifiers: Orphanet 84, MedGen C1836861, MONDO:0012186, OMIM 609053.

Allele frequency attached by ClinVar (database versions not stated): ExAC 0.00001; gnomAD 0.00001 and 0.00002; gnomAD exomes 0.00001; TOPMed 0.00001; ESP Exome Variant Server 0.00008; 1000 Genomes Project 30x 0.00016; 1000 Genomes Project 0.00020.
gnomAD v4.1: 8 of 1,614,170 alleles (0.0005%); highest among the groups gnomAD compares: South Asian, 0.0066%; no homozygotes.

Submissions (3):

Fulgent Genetics
Classification: Uncertain significance for Fanconi anemia complementation group I. Last evaluated: 2024-05-13. Review status: criteria provided, single submitter. Criteria: ACMG Guidelines, 2015. Collection method: clinical testing. Allele origin: germline.

Ambry Genetics
Classification: Uncertain significance for Inborn genetic diseases. Last evaluated: 2022-12-28. Review status: criteria provided, single submitter. Criteria: Ambry Variant Classification Scheme 2023. Collection method: clinical testing. Allele origin: germline.

Labcorp Genetics (formerly Invitae), Labcorp
Classification: Uncertain significance for Fanconi anemia. Last evaluated: 2022-04-18. Review status: criteria provided, single submitter. Criteria: Invitae Variant Classification Sherloc (09022015). Collection method: clinical testing. Allele origin: germline.
Comment: This sequence change replaces asparagine, which is neutral and polar, with serine, which is neutral and polar, at codon 110 of the FANCI protein (p.Asn110Ser). This variant is present in population databases (rs368987143, gnomAD 0.007%). This variant has not been reported in the literature in individuals affected with FANCI-related conditions. ClinVar contains an entry for this variant (Variation ID: 649239). Algorithms developed to predict the effect of missense changes on protein structure and function output the following: SIFT: "Tolerated"; PolyPhen-2: "Benign"; Align-GVGD: "Class C0". The serine amino acid residue is found in multiple mammalian species, which suggests that this missense change does not adversely affect protein function. Algorithms developed to predict the effect of sequence changes on RNA splicing suggest that this variant may create or strengthen a splice site. In summary, the available evidence is currently insufficient to determine the role of this variant in disease. Therefore, it has been classified as a Variant of Uncertain Significance.

NM_001113378.2(FANCI):c.329A>G (p.Asn110Ser)

Gene: FANCI (FA complementation group I; plus strand). Cytogenetic location: 15q26.1.
Variant type: single nucleotide variant.
Coding change: c.329A>G on transcript NM_001113378.2 (MANE Select); coding-DNA position 329, A replaced by G.
Protein change: p.Asn110Ser; replaces asparagine 110 with serine.
Molecular consequence: missense variant.
Genome position (GRCh38, 1-based): chr15:89,261,625, A>G. VCF-style: chr15-89261625-A-G. GRCh37 (hg19) VCF-style: chr15-89804856-A-G.
Other names: c.50A>G, p.Asn17Ser (NM_001376910.1); c.329A>G, p.Asn110Ser (NM_001376911.1, NM_018193.3); short protein forms N110S, N17S.
Identifiers: ClinVar variation 649239 (VCV000649239.8), dbSNP rs368987143, ClinGen allele CA7722586.